The following is an entry in ClinVar:

NM_004064.5(CDKN1B):c.172C>T (p.Arg58Cys)

Gene: CDKN1B (cyclin dependent kinase inhibitor 1B; plus strand). Cytogenetic location: 12p13.1.
Variant type: single nucleotide variant.
Coding change: c.172C>T on transcript NM_004064.5 (MANE Select); coding-DNA position 172, C replaced by T.
Protein change: p.Arg58Cys; replaces arginine 58 with cysteine.
Molecular consequence: missense variant.
Genome position (GRCh38, 1-based): chr12:12,718,011, C>T. VCF-style: chr12-12718011-C-T. GRCh37 (hg19) VCF-style: chr12-12870945-C-T.
Other names: short protein forms R58C.
Identifiers: ClinVar variation 1481324 (VCV001481324.9), dbSNP rs1349254230, ClinGen allele CA383969193.

ClinVar aggregate classification (germline): Uncertain significance. Review status: criteria provided, multiple submitters, no conflicts (2 of 4 stars). 2 submissions from 2 submitters: Uncertain significance (2). Last evaluated 2025-12-23.

Conditions:
Hereditary cancer-predisposing syndrome. Also called: Hereditary neoplastic syndrome; Tumor predisposition; Neoplastic Syndromes, Hereditary; Hereditary Cancer Syndrome. Identifiers: Orphanet 140162, MedGen C0027672, MeSH D009386, MONDO:0015356.
Multiple endocrine neoplasia type 4. Also called: MULTIPLE ENDOCRINE NEOPLASIA, TYPE IV. Identifiers: Orphanet 276152, MedGen C1970712, MONDO:0012552, OMIM 610755.

Allele frequency attached by ClinVar (database versions not stated): TOPMed below 0.00001; gnomAD exomes 0.00001.

Submissions (2):

Labcorp Genetics (formerly Invitae), Labcorp
Classification: Uncertain significance for Multiple endocrine neoplasia type 4. Last evaluated: 2025-12-23. Review status: criteria provided, single submitter. Criteria: Invitae Variant Classification Sherloc (09022015). Collection method: clinical testing. Allele origin: germline.
Comment: This sequence change replaces arginine, which is basic and polar, with cysteine, which is neutral and slightly polar, at codon 58 of the CDKN1B protein (p.Arg58Cys). This variant is not present in population databases (gnomAD no frequency). This variant has not been reported in the literature in individuals affected with CDKN1B-related conditions. ClinVar contains an entry for this variant (Variation ID: 1481324). An algorithm developed to predict the effect of missense changes on protein structure and function (PolyPhen-2) suggests that this variant is likely to be disruptive. In summary, the available evidence is currently insufficient to determine the role of this variant in disease. Therefore, it has been classified as a Variant of Uncertain Significance.

Ambry Genetics
Classification: Uncertain significance for Hereditary cancer-predisposing syndrome. Last evaluated: 2024-11-18. Review status: criteria provided, single submitter. Criteria: Ambry Variant Classification Scheme 2023. Collection method: clinical testing. Allele origin: germline.
Comment: The p.R58C variant (also known as c.172C>T), located in coding exon 1 of the CDKN1B gene, results from a C to T substitution at nucleotide position 172. The arginine at codon 58 is replaced by cysteine, an amino acid with highly dissimilar properties. This amino acid position is not well conserved in available vertebrate species. In addition, the in silico prediction for this alteration is inconclusive. Since supporting evidence is limited at this time, the clinical significance of this alteration remains unclear.